The following is an entry in ClinVar:

ClinVar aggregate classification (germline): Uncertain significance. Review status: criteria provided, multiple submitters, no conflicts (2 of 4 stars). 3 submissions from 3 submitters: Uncertain significance (3). Last evaluated 2025-11-08.

Allele frequency attached by ClinVar (database versions not stated): TOPMed 0.00005; gnomAD 0.00001; gnomAD exomes 0.00002.
gnomAD v4.1: 12 of 1,591,656 alleles (0.00075%); highest among the groups gnomAD compares: Admixed American, 0.0067%; no homozygotes.

Submissions (3):

Ambry Genetics
Classification: Uncertain significance. Last evaluated: 2025-11-08. Review status: criteria provided, single submitter. Criteria: Ambry Variant Classification Scheme 2023. Collection method: clinical testing. Allele origin: germline.

Labcorp Genetics (formerly Invitae), Labcorp
Classification: Uncertain significance. Last evaluated: 2025-06-10. Review status: criteria provided, single submitter. Criteria: Invitae Variant Classification Sherloc (09022015). Collection method: clinical testing. Allele origin: germline.
Comment: This sequence change replaces isoleucine, which is neutral and non-polar, with leucine, which is neutral and non-polar, at codon 59 of the GINS1 protein (p.Ile59Leu). This variant is present in population databases (no rsID available, gnomAD 0.009%). This variant has not been reported in the literature in individuals affected with GINS1-related conditions. ClinVar contains an entry for this variant (Variation ID: 1690902). An algorithm developed to predict the effect of missense changes on protein structure and function (PolyPhen-2) suggests that this variant is likely to be tolerated. In summary, the available evidence is currently insufficient to determine the role of this variant in disease. Therefore, it has been classified as a Variant of Uncertain Significance.

Laboratorio de Genetica e Diagnostico Molecular, Hospital Israelita Albert Einstein
Classification: Uncertain significance. Last evaluated: 2020-06-23. Review status: criteria provided, single submitter. Criteria: ACMG Guidelines, 2015. Collection method: clinical testing. Allele origin: germline. Affected: yes.
Comment: ACMG classification criteria: PM2, BP4

NM_021067.5(GINS1):c.175A>T (p.Ile59Leu)

Gene: GINS1 (GINS complex subunit 1; plus strand). Cytogenetic location: 20p11.21.
Variant type: single nucleotide variant.
Coding change: c.175A>T on transcript NM_021067.5 (MANE Select); coding-DNA position 175, A replaced by T.
Protein change: p.Ile59Leu; replaces isoleucine 59 with leucine.
Molecular consequence: missense variant. On other transcripts: non-coding transcript variant (1).
Genome position (GRCh38, 1-based): chr20:25,417,138, A>T. VCF-style: chr20-25417138-A-T. GRCh37 (hg19) VCF-style: chr20-25397774-A-T.
Other names: c.175A>T (NM_021067.3); short protein forms I59L.
Identifiers: ClinVar variation 1690902 (VCV001690902.6), dbSNP rs1282406957, ClinGen allele CA408447353.